The following is an entry in ClinVar:

NM_002473.6(MYH9):c.5593-14G>T

Gene: MYH9 (myosin heavy chain 9; minus strand). Cytogenetic location: 22q12.3.
Variant type: single nucleotide variant.
Coding change: c.5593-14G>T on transcript NM_002473.6 (MANE Select); 14 bases into the intron before coding-DNA position 5593, G replaced by T.
Molecular consequence: intron variant.
Genome position (GRCh38, 1-based): chr22:36,284,279, C>A on the plus strand (G>T on the coding strand, the complement: MYH9 is on the minus strand). VCF-style: chr22-36284279-C-A. GRCh37 (hg19) VCF-style: chr22-36680325-C-A.
Identifiers: ClinVar variation 164415 (VCV000164415.38), dbSNP rs201676960, ClinGen allele CA177065.
Genomic context (GRCh38, chr22:36,284,279, plus strand): 5'-TCCAGCTGCCGCTTGAGCTGCTTCAGGCGGGTAGATGCCTTGTCGGCCTGCGGAGATGGA[C>A]GTGTGGCCCGTGGCCCCGGTTAGGGGCTCTGGGCGTGCAGCCAGTCAGCCCCACTGCCCT-3'

ClinVar aggregate classification (germline): Benign/Likely benign. Review status: criteria provided, multiple submitters, no conflicts (2 of 4 stars). 6 submissions from 6 submitters: Benign (2); Likely benign (4). Last evaluated 2026-07-01.

Conditions:
Autosomal dominant nonsyndromic hearing loss 17. Also called: Deafness, autosomal dominant 17; Autosomal dominant nonsyndromic deafness 17. Identifiers: Orphanet 90635, MedGen C1863659, MONDO:0011350, OMIM 603622.
Macrothrombocytopenia and granulocyte inclusions with or without nephritis or sensorineural hearing loss (MATINS). Also called: MYH9-Related Disease (MYH9-RD); DOHLE LEUKOCYTE INCLUSIONS WITH GIANT PLATELETS; MACROTHROMBOCYTOPENIA WITH LEUKOCYTE INCLUSIONS; MAY-HEGGLIN ANOMALY; BLEEDING DISORDER, PLATELET-TYPE, 6; MACROTHROMBOCYTOPENIA WITH DISPERSED LEUKOCYTIC INCLUSIONS. Identifiers: Orphanet 182050, MedGen C5200934, MONDO:0015912, OMIM 155100.

Allele frequency attached by ClinVar (database versions not stated): ESP Exome Variant Server 0.00177; TOPMed 0.00193; 1000 Genomes Project 0.00240; 1000 Genomes Project 30x 0.00281.
gnomAD v4.1: 494 of 1,607,082 alleles (0.031%); highest among the groups gnomAD compares: African/African-American, 0.57%; no homozygotes.

Submissions (6):

CeGaT Center for Human Genetics Tuebingen
Classification: Likely benign. Last evaluated: 2026-07-01. Review status: criteria provided, single submitter. Criteria: CeGaT Center For Human Genetics Tuebingen Variant Classification Criteria Version 2. Collection method: clinical testing. Allele origin: germline. Affected: yes. Observed: 2 variant alleles.
Comment: MYH9: BS1

Labcorp Genetics (formerly Invitae), Labcorp
Classification: Benign. Last evaluated: 2025-12-30. Review status: criteria provided, single submitter. Criteria: Invitae Variant Classification Sherloc (09022015). Collection method: clinical testing. Allele origin: germline.

Blueprint Genetics
Classification: Likely benign. Last evaluated: 2024-05-27. Review status: criteria provided, single submitter. Criteria: ACMG Guidelines, 2015. Collection method: clinical testing. Allele origin: germline.

Fulgent Genetics
Classification: Likely benign for Macrothrombocytopenia and granulocyte inclusions with or without nephritis or sensorineural hearing loss; Autosomal dominant nonsyndromic hearing loss 17. Last evaluated: 2022-05-09. Review status: criteria provided, single submitter. Criteria: ACMG Guidelines, 2015. Collection method: clinical testing. Allele origin: unknown.

Laboratory for Molecular Medicine, Mass General Brigham Personalized Medicine
Classification: Benign. Last evaluated: 2012-04-30. Review status: criteria provided, single submitter. Criteria: LMM Criteria. Collection method: clinical testing. Allele origin: germline. Observed: 2 variant alleles.
Comment: 5593-14G>T in Intron 39 of MYH9: This variant is not expected to have clinical s ignificance because it has been identified in 0.6% (22/3736) of African American chromosomes from a broad population by the NHLBI Exome Sequencing Project.

PreventionGenetics, part of Exact Sciences
Classification: Likely benign. Review status: criteria provided, single submitter. Criteria: ACMG Guidelines, 2015. Collection method: clinical testing. Allele origin: germline.